The following is an entry in ClinVar:

ClinVar aggregate classification (germline): Uncertain significance. Review status: criteria provided, multiple submitters, no conflicts (2 of 4 stars). 2 submissions from 2 submitters: Uncertain significance (2). Last evaluated 2026-08-03.

Conditions:
Neuroblastoma, susceptibility to, 3. Also called: ALK-Related Neuroblastic Tumor Susceptibility. Identifiers: Orphanet 635, MedGen C2751681, MONDO:0013083, OMIM 613014.
Hereditary cancer-predisposing syndrome. Also called: Hereditary Cancer Syndrome; Hereditary neoplastic syndrome; Neoplastic Syndromes, Hereditary; Tumor predisposition. Identifiers: Orphanet 140162, MedGen C0027672, MeSH D009386, MONDO:0015356.

Allele frequency attached by ClinVar (database versions not stated): gnomAD exomes below 0.00001; ExAC 0.00001; gnomAD 0.00001.
gnomAD v4.1: 3 of 1,613,908 alleles (0.00019%); highest among the groups gnomAD compares: Non-Finnish European, 0.00025%; no homozygotes.

Submissions (2):

Ambry Genetics
Classification: Uncertain significance for Hereditary cancer-predisposing syndrome. Last evaluated: 2026-08-03. Review status: criteria provided, single submitter. Criteria: Ambry Variant Classification Scheme 2023. Collection method: clinical testing. Allele origin: germline.
Comment: The p.N946S variant (also known as c.2837A>G), located in coding exon 17 of the ALK gene, results from an A to G substitution at nucleotide position 2837. The asparagine at codon 946 is replaced by serine, an amino acid with highly similar properties. This amino acid position is conserved. In addition, this alteration is predicted to be tolerated by in silico analysis. Based on the available evidence, the clinical significance of this variant remains unclear.

Labcorp Genetics (formerly Invitae), Labcorp
Classification: Uncertain significance for Neuroblastoma, susceptibility to, 3. Last evaluated: 2024-01-18. Review status: criteria provided, single submitter. Criteria: Invitae Variant Classification Sherloc (09022015). Collection method: clinical testing. Allele origin: germline.
Comment: This sequence change replaces asparagine, which is neutral and polar, with serine, which is neutral and polar, at codon 946 of the ALK protein (p.Asn946Ser). This variant is present in population databases (rs754196355, gnomAD 0.0009%). This variant has not been reported in the literature in individuals affected with ALK-related conditions. An algorithm developed to predict the effect of missense changes on protein structure and function (PolyPhen-2) suggests that this variant is likely to be disruptive. In summary, the available evidence is currently insufficient to determine the role of this variant in disease. Therefore, it has been classified as a Variant of Uncertain Significance.

NM_004304.5(ALK):c.2837A>G (p.Asn946Ser)

Gene: ALK (ALK receptor tyrosine kinase; minus strand). Cytogenetic location: 2p23.2.
Variant type: single nucleotide variant.
Coding change: c.2837A>G on transcript NM_004304.5 (MANE Select); coding-DNA position 2837, A replaced by G.
Protein change: p.Asn946Ser; replaces asparagine 946 with serine.
Molecular consequence: missense variant.
Genome position (GRCh38, 1-based): chr2:29,227,651, T>C on the plus strand (A>G on the coding strand, the complement: ALK is on the minus strand). VCF-style: chr2-29227651-T-C. GRCh37 (hg19) VCF-style: chr2-29450517-T-C.
Other names: c.2837A>G (NM_004304.4); short protein forms N946S.
Identifiers: ClinVar variation 2875459 (VCV002875459.4), dbSNP rs754196355, ClinGen allele CA1594165.
Genomic context (GRCh38, chr2:29,227,651, plus strand): 5'-TACAGGATGCCCAGTGGACTGATGAAGGAAACCCCATCTTCCCCATCCATTTCGGGGTCA[T>C]TGTTTGAGGCTGCATTGCCGCCTGAGTAGCAAACCAGAGCAGAGTTTAACATGGGGGGTG-3'
Protein context (NP_004295.2, residues 936-956): GYIGGNAASN[Asn946Ser]DPEMDGEDGV